The following is an entry in ClinVar:

NM_000444.6(PHEX):c.821T>C (p.Val274Ala)

Gene: PHEX (phosphate regulating endopeptidase X-linked; plus strand). Cytogenetic location: Xp22.11.
Variant type: single nucleotide variant.
Coding change: c.821T>C on transcript NM_000444.6 (MANE Select); coding-DNA position 821, T replaced by C.
Protein change: p.Val274Ala; replaces valine 274 with alanine.
Molecular consequence: missense variant.
Genome position (GRCh38, 1-based): chrX:22,094,071, T>C. VCF-style: chrX-22094071-T-C. GRCh37 (hg19) VCF-style: chrX-22112189-T-C.
Other names: c.821T>C, p.Val274Ala (NM_001282754.2); short protein forms V274A.
Identifiers: ClinVar variation 4711332 (VCV004711332.1).

ClinVar aggregate classification (germline): Uncertain significance (1 of 4 stars; one submission).

gnomAD v4.1: 1 of 1,176,459 alleles (0.000085%); highest among the groups gnomAD compares: Non-Finnish European, 0.00012%; no homozygotes.

Submission:

Labcorp Genetics (formerly Invitae), Labcorp
Classification: Uncertain significance. Last evaluated: 2025-09-03. Review status: criteria provided, single submitter. Criteria: Invitae Variant Classification Sherloc (09022015). Collection method: clinical testing. Allele origin: germline.
Comment: This sequence change replaces valine, which is neutral and non-polar, with alanine, which is neutral and non-polar, at codon 274 of the PHEX protein (p.Val274Ala). This variant is present in population databases (rs768413746, gnomAD 0.001%). This variant has not been reported in the literature in individuals affected with PHEX-related conditions. Invitae Evidence Modeling of protein sequence and biophysical properties (such as structural, functional, and spatial information, amino acid conservation, physicochemical variation, residue mobility, and thermodynamic stability) indicates that this missense variant is expected to disrupt PHEX protein function with a positive predictive value of 80%. In summary, the available evidence is currently insufficient to determine the role of this variant in disease. Therefore, it has been classified as a Variant of Uncertain Significance.